The following is an entry in ClinVar:

ClinVar aggregate classification (germline): Uncertain significance (1 of 4 stars; one submission).

Conditions:
Deficiency of galactokinase. Also called: Galactokinase deficiency with cataracts; GALACTOSEMIA II. Identifiers: Orphanet 352, Orphanet 79237, MedGen C0268155, MONDO:0009255, OMIM 230200.

Allele frequency attached by ClinVar (database versions not stated): gnomAD 0.00001; gnomAD exomes 0.00001 and 0.00004; TOPMed 0.00001; ExAC 0.00002; ESP Exome Variant Server 0.00008.
gnomAD v4.1: 56 of 1,612,646 alleles (0.0035%); highest among the groups gnomAD compares: Non-Finnish European, 0.0044%; no homozygotes.

Submission:

Labcorp Genetics (formerly Invitae), Labcorp
Classification: Uncertain significance for Deficiency of galactokinase. Last evaluated: 2022-07-05. Review status: criteria provided, single submitter. Criteria: Invitae Variant Classification Sherloc (09022015). Collection method: clinical testing. Allele origin: germline.
Comment: This sequence change replaces leucine, which is neutral and non-polar, with serine, which is neutral and polar, at codon 392 of the GALK1 protein (p.Leu392Ser). This variant is present in population databases (rs371755069, gnomAD 0.003%). This variant has not been reported in the literature in individuals affected with GALK1-related conditions. ClinVar contains an entry for this variant (Variation ID: 1360134). Algorithms developed to predict the effect of missense changes on protein structure and function are either unavailable or do not agree on the potential impact of this missense change (SIFT: "Deleterious"; PolyPhen-2: "Probably Damaging"; Align-GVGD: "Class C0"). In summary, the available evidence is currently insufficient to determine the role of this variant in disease. Therefore, it has been classified as a Variant of Uncertain Significance.

NM_000154.2(GALK1):c.1175T>C (p.Leu392Ser)

Gene: GALK1 (galactokinase 1; minus strand). Cytogenetic location: 17q25.1.
Variant type: single nucleotide variant.
Coding change: c.1175T>C on transcript NM_000154.2 (MANE Select); coding-DNA position 1175, T replaced by C.
Protein change: p.Leu392Ser; replaces leucine 392 with serine.
Molecular consequence: missense variant.
Genome position (GRCh38, 1-based): chr17:75,758,060, A>G on the plus strand (T>C on the coding strand, the complement: GALK1 is on the minus strand). VCF-style: chr17-75758060-A-G. GRCh37 (hg19) VCF-style: chr17-73754141-A-G.
Other names: c.1175T>C, p.Leu392Ser (NM_001381985.1); short protein forms L392S.
Identifiers: ClinVar variation 1360134 (VCV001360134.5), dbSNP rs371755069, ClinGen allele CA8770687.